The following is an entry in ClinVar:

ClinVar aggregate classification (germline): Uncertain significance (1 of 4 stars; one submission).

Submission:

Ambry Genetics
Classification: Uncertain significance. Last evaluated: 2021-08-29. Review status: criteria provided, single submitter. Criteria: Ambry Variant Classification Scheme 2023. Collection method: clinical testing. Allele origin: germline.
Comment: The p.V431M variant (also known as c.1291G>A), located in coding exon 10 of the RECQL gene, results from a G to A substitution at nucleotide position 1291. The valine at codon 431 is replaced by methionine, an amino acid with highly similar properties. This amino acid position is conserved. In addition, this alteration is predicted to be tolerated by in silico analysis. Since supporting evidence is limited at this time, the clinical significance of this alteration remains unclear.

NM_002907.4(RECQL):c.1291G>A (p.Val431Met)

Gene: RECQL (RecQ like helicase; minus strand). Cytogenetic location: 12p12.1.
Variant type: single nucleotide variant.
Coding change: c.1291G>A on transcript NM_002907.4 (MANE Select); coding-DNA position 1291, G replaced by A.
Protein change: p.Val431Met; replaces valine 431 with methionine.
Molecular consequence: missense variant.
Genome position (GRCh38, 1-based): chr12:21,474,905, C>T on the plus strand (G>A on the coding strand, the complement: RECQL is on the minus strand). VCF-style: chr12-21474905-C-T. GRCh37 (hg19) VCF-style: chr12-21627839-C-T.
Other names: c.1291G>A, p.Val431Met (NM_032941.3); short protein forms V431M.
Identifiers: ClinVar variation 1769115 (VCV001769115.2), dbSNP rs1368453148, ClinGen allele CA384118472.
Genomic context (GRCh38, chr12:21,474,905, plus strand): 5'-TTATGTTTTGACAGTATGATACCATCTCATAAAGCTTCTGCTGTCCCACATTTTCCATCA[C>T]CACCATTGAACTTATTCTGAATATATCTCCAAAGCCGTAGTACAAAATACAGTCTGCTTT-3'
Protein context (NP_002898.2, residues 421-441): GDIFRISSMV[Val431Met]MENVGQQKLY